The following is an entry in ClinVar:

NM_004752.4(GCM2):c.1154C>A (p.Thr385Asn)

Gene: GCM2 (glial cells missing transcription factor 2; minus strand). Cytogenetic location: 6p24.2.
Variant type: single nucleotide variant.
Coding change: c.1154C>A on transcript NM_004752.4 (MANE Select); coding-DNA position 1154, C replaced by A.
Protein change: p.Thr385Asn; replaces threonine 385 with asparagine.
Molecular consequence: missense variant.
Genome position (GRCh38, 1-based): chr6:10,874,362, G>T on the plus strand (C>A on the coding strand, the complement: GCM2 is on the minus strand). VCF-style: chr6-10874362-G-T. GRCh37 (hg19) VCF-style: chr6-10874595-G-T.
Other names: short protein forms T385N.
Identifiers: ClinVar variation 4744514 (VCV004744514.1).

ClinVar aggregate classification (germline): Uncertain significance (1 of 4 stars; one submission).

Submission:

Labcorp Genetics (formerly Invitae), Labcorp
Classification: Uncertain significance. Last evaluated: 2025-03-30. Review status: criteria provided, single submitter. Criteria: Invitae Variant Classification Sherloc (09022015). Collection method: clinical testing. Allele origin: germline.
Comment: This sequence change replaces threonine, which is neutral and polar, with asparagine, which is neutral and polar, at codon 385 of the GCM2 protein (p.Thr385Asn). This variant is not present in population databases (gnomAD no frequency). This variant has not been reported in the literature in individuals affected with GCM2-related conditions. Invitae Evidence Modeling of protein sequence and biophysical properties (such as structural, functional, and spatial information, amino acid conservation, physicochemical variation, residue mobility, and thermodynamic stability) indicates that this missense variant is expected to disrupt GCM2 protein function with a positive predictive value of 80%. In summary, the available evidence is currently insufficient to determine the role of this variant in disease. Therefore, it has been classified as a Variant of Uncertain Significance.